The following is an entry in ClinVar:

NM_000384.3(APOB):c.12998T>G (p.Ile4333Ser)

Gene: APOB (apolipoprotein B; minus strand). Cytogenetic location: 2p24.1.
Variant type: single nucleotide variant.
Coding change: c.12998T>G on transcript NM_000384.3 (MANE Select); coding-DNA position 12998, T replaced by G.
Protein change: p.Ile4333Ser; replaces isoleucine 4333 with serine.
Molecular consequence: missense variant.
Genome position (GRCh38, 1-based): chr2:21,002,424, A>C on the plus strand (T>G on the coding strand, the complement: APOB is on the minus strand). VCF-style: chr2-21002424-A-C. GRCh37 (hg19) VCF-style: chr2-21225296-A-C.
Other names: short protein forms I4333S.
Identifiers: ClinVar variation 3933701 (VCV003933701.2).

ClinVar aggregate classification (germline): Uncertain significance. Review status: criteria provided, multiple submitters, no conflicts (2 of 4 stars). 2 submissions from 2 submitters: Uncertain significance (2). Last evaluated 2025-03-31.

Conditions:
Familial hypobetalipoproteinemia 1. Also called: APOB-Related Familial Hypobetalipoproteinemia; Hypobetalipoproteinemia, normotriglyceridemic; Acanthocytosis with hypobetalipoproteinemia. Identifiers: MedGen C4551990, MONDO:0014252, OMIM 615558.
Hypercholesterolemia, autosomal dominant, type B (FHCL2). Also called: APOB-Related Familial Hypercholesterolemia, Autosomal Dominant; Familial Hypercholesterolemia Type B; APOLIPOPROTEIN B-100, FAMILIAL DEFECTIVE; APOLIPOPROTEIN B-100, FAMILIAL LIGAND-DEFECTIVE; HYPERCHOLESTEROLEMIA, FAMILIAL, DUE TO LIGAND-DEFECTIVE APOLIPOPROTEIN B; Familial hypercholesterolemia 2. Identifiers: MedGen C1704417, MONDO:0007751, OMIM 144010.
Cardiovascular phenotype. Identifiers: MedGen CN230736.

Submissions (2):

Labcorp Genetics (formerly Invitae), Labcorp
Classification: Uncertain significance for Familial hypobetalipoproteinemia 1; Hypercholesterolemia, autosomal dominant, type B. Last evaluated: 2025-03-31. Review status: criteria provided, single submitter. Criteria: Invitae Variant Classification Sherloc (09022015). Collection method: clinical testing. Allele origin: germline.
Comment: This sequence change replaces isoleucine, which is neutral and non-polar, with serine, which is neutral and polar, at codon 4333 of the APOB protein (p.Ile4333Ser). This variant is not present in population databases (gnomAD no frequency). This variant has not been reported in the literature in individuals affected with APOB-related conditions. Invitae Evidence Modeling of protein sequence and biophysical properties (such as structural, functional, and spatial information, amino acid conservation, physicochemical variation, residue mobility, and thermodynamic stability) indicates that this missense variant is not expected to disrupt APOB protein function with a negative predictive value of 95%. In summary, the available evidence is currently insufficient to determine the role of this variant in disease. Therefore, it has been classified as a Variant of Uncertain Significance.

Ambry Genetics
Classification: Uncertain significance for Cardiovascular phenotype. Last evaluated: 2025-03-21. Review status: criteria provided, single submitter. Criteria: Ambry Variant Classification Scheme 2023. Collection method: clinical testing. Allele origin: germline.